The following is an entry in ClinVar:

NM_004984.4(KIF5A):c.343G>A (p.Asp115Asn)

Gene: KIF5A (kinesin family member 5A; plus strand). Cytogenetic location: 12q13.3.
Variant type: single nucleotide variant.
Coding change: c.343G>A on transcript NM_004984.4 (MANE Select); coding-DNA position 343, G replaced by A.
Protein change: p.Asp115Asn; replaces aspartic acid 115 with asparagine.
Molecular consequence: missense variant. On other transcripts: intron variant (1).
Genome position (GRCh38, 1-based): chr12:57,564,159, G>A. VCF-style: chr12-57564159-G-A. GRCh37 (hg19) VCF-style: chr12-57957942-G-A.
Other names: c.343G>A (NM_004984.2); c.130-301G>A (NM_001354705.2); short protein forms D115N.
Identifiers: ClinVar variation 2132560 (VCV002132560.5), dbSNP rs2540493835, ClinGen allele CA385494600.
Genomic context (GRCh38, chr12:57,564,159, plus strand): 5'-ACTCGCCAGGGAAAGCTGCACGACCCTCAGCTGATGGGAATCATTCCTCGAATTGCCCGA[G>A]ACATCTTCAACCACATCTACTCCATGGATGAGAACCTTGAGTTCCACATCAAGGTGACCA-3'
Protein context (NP_004975.2, residues 105-125): LMGIIPRIAR[Asp115Asn]IFNHIYSMDE

ClinVar aggregate classification (germline): Uncertain significance. Review status: criteria provided, multiple submitters, no conflicts (2 of 4 stars). 2 submissions from 2 submitters: Uncertain significance (2). Last evaluated 2025-10-01.

Conditions:
Inborn genetic diseases. Identifiers: MedGen C0950123, MeSH D030342.
Spastic paraplegia. Identifiers: MedGen C0037772, HP:0001258.

Submissions (2):

Ambry Genetics
Classification: Uncertain significance for Inborn genetic diseases. Last evaluated: 2025-10-01. Review status: criteria provided, single submitter. Criteria: Ambry Variant Classification Scheme 2023. Collection method: clinical testing. Allele origin: germline.

Labcorp Genetics (formerly Invitae), Labcorp
Classification: Uncertain significance for Spastic paraplegia. Last evaluated: 2022-05-01. Review status: criteria provided, single submitter. Criteria: Invitae Variant Classification Sherloc (09022015). Collection method: clinical testing. Allele origin: germline.
Comment: In summary, the available evidence is currently insufficient to determine the role of this variant in disease. Therefore, it has been classified as a Variant of Uncertain Significance. Algorithms developed to predict the effect of missense changes on protein structure and function are either unavailable or do not agree on the potential impact of this missense change (SIFT: "Deleterious"; PolyPhen-2: "Probably Damaging"; Align-GVGD: "Class C15"). This variant has not been reported in the literature in individuals affected with KIF5A-related conditions. This variant is not present in population databases (gnomAD no frequency). This sequence change replaces aspartic acid, which is acidic and polar, with asparagine, which is neutral and polar, at codon 115 of the KIF5A protein (p.Asp115Asn).